The following is an entry in ClinVar:

NM_004522.3(KIF5C):c.1906-304G>A

Gene: KIF5C (kinesin family member 5C; plus strand). Cytogenetic location: 2q23.1.
Variant type: single nucleotide variant.
Coding change: c.1906-304G>A on transcript NM_004522.3 (MANE Select); 304 bases into the intron before coding-DNA position 1906, G replaced by A.
Molecular consequence: intron variant.
Genome position (GRCh38, 1-based): chr2:148,994,117, G>A. VCF-style: chr2-148994117-G-A. GRCh37 (hg19) VCF-style: chr2-149850631-G-A.
Identifiers: ClinVar variation 673857 (VCV000673857.1), dbSNP rs114718011, ClinGen allele CA57591220.
Genomic context (GRCh38, chr2:148,994,117, plus strand): 5'-CATGTTCAATGAATGAGGCCTTCAGCCCTGCACTTTTCCCAGCCCCTTTCTCTCATGCAT[G>A]CTTTTCTCTGAGAAGGGAAACCAGCTCGGCCTTTGGCATCTCATGTTAACTGGATGGTGA-3'

ClinVar aggregate classification (germline): Likely benign (1 of 4 stars; one submission).

Allele frequency attached by ClinVar (database versions not stated): gnomAD 0.00622 and 0.00670; 1000 Genomes Project 0.00639; 1000 Genomes Project 30x 0.00671; TOPMed 0.00711.
gnomAD v4.1: 935 of 152,308 alleles (0.61%); highest among the groups gnomAD compares: African/African-American, 2.2%; 6 homozygotes.

Submission:

GeneDx
Classification: Likely benign. Last evaluated: 2018-06-16. Review status: criteria provided, single submitter. Criteria: GeneDx Variant Classification (06012015). Collection method: clinical testing. Allele origin: germline. Affected: yes.
Comment: This variant is considered likely benign or benign based on one or more of the following criteria: it is a conservative change, it occurs at a poorly conserved position in the protein, it is predicted to be benign by multiple in silico algorithms, and/or has population frequency not consistent with disease.